The following is an entry in ClinVar:

ClinVar aggregate classification (germline): Uncertain significance (1 of 4 stars; one submission).

Conditions:
Hereditary cancer-predisposing syndrome. Also called: Neoplastic Syndromes, Hereditary; Tumor predisposition; Hereditary Cancer Syndrome; Hereditary neoplastic syndrome. Identifiers: Orphanet 140162, MedGen C0027672, MeSH D009386, MONDO:0015356.

Submission:

Ambry Genetics
Classification: Uncertain significance for Hereditary cancer-predisposing syndrome. Last evaluated: 2024-08-10. Review status: criteria provided, single submitter. Criteria: Ambry Variant Classification Scheme 2023. Collection method: clinical testing. Allele origin: germline.
Comment: The p.G31A variant (also known as c.92G>C), located in coding exon 1 of the PTCH1 gene, results from a G to C substitution at nucleotide position 92. The glycine at codon 31 is replaced by alanine, an amino acid with similar properties. This amino acid position is conserved. In addition, this alteration is predicted to be tolerated by in silico analysis. Based on the available evidence, the clinical significance of this variant remains unclear.

NM_000264.5(PTCH1):c.92G>C (p.Gly31Ala)

Genes: PTCH1 (patched 1; minus strand), LOC130002133 (ATAC-STARR-seq lymphoblastoid silent region 20071; plus strand). Cytogenetic location: 9q22.32.
Variant type: single nucleotide variant.
Coding change: c.92G>C on transcript NM_000264.5 (MANE Select); coding-DNA position 92, G replaced by C.
Protein change: p.Gly31Ala; replaces glycine 31 with alanine.
Molecular consequence: missense variant. On other transcripts: non-coding transcript variant (1), intron variant (3).
Genome position (GRCh38, 1-based): chr9:95,508,270, C>G on the plus strand (G>C on the coding strand, the complement: PTCH1 is on the minus strand). VCF-style: chr9-95508270-C-G. GRCh37 (hg19) VCF-style: chr9-98270552-C-G.
Other names: c.92G>C, p.Gly31Ala (NM_001354918.2); c.199-1671G>C (NM_001083603.3); c.4-1671G>C (NM_001083602.3, NM_001354919.2); short protein forms G31A.
Identifiers: ClinVar variation 3427257 (VCV003427257.1).